The following is an entry in ClinVar:

ClinVar aggregate classification (germline): Uncertain significance (1 of 4 stars; one submission).

gnomAD v4.1: 11 of 1,613,866 alleles (0.00068%); highest among the groups gnomAD compares: African/African-American, 0.004%; no homozygotes.

Submission:

Women's Health and Genetics/Laboratory Corporation of America, LabCorp
Classification: Uncertain significance. Last evaluated: 2026-05-07. Review status: criteria provided, single submitter. Criteria: LabCorp Variant Classification Summary - May 2015. Collection method: clinical testing. Allele origin: germline.
Comment: Variant summary: ACAN c.6065T>C (p.Met2022Thr) results in a non-conservative amino acid change in the encoded protein sequence. Algorithms developed to predict the effect of missense changes on protein structure and function are either unavailable or do not agree on the potential impact of this missense change. The variant allele was found at a frequency of 1.2e-05 in 249176 control chromosomes. The available data on variant occurrences in the general population are insufficient to allow any conclusion about variant significance. To our knowledge, no occurrence of c.6065T>C in individuals affected with ACAN-related conditions and no experimental evidence demonstrating its impact on protein function have been reported. No submitters have cited clinical-significance assessments for this variant to ClinVar. Based on the evidence outlined above, the variant was classified as uncertain significance.

NM_001369268.1(ACAN):c.6065T>C (p.Met2022Thr)

Gene: ACAN (aggrecan; plus strand). Cytogenetic location: 15q26.1.
Variant type: single nucleotide variant.
Coding change: c.6065T>C on transcript NM_001369268.1 (MANE Select); coding-DNA position 6065, T replaced by C.
Protein change: p.Met2022Thr; replaces methionine 2022 with threonine.
Molecular consequence: missense variant.
Genome position (GRCh38, 1-based): chr15:88,858,650, T>C. VCF-style: chr15-88858650-T-C. GRCh37 (hg19) VCF-style: chr15-89401881-T-C.
Other names: c.6065T>C, p.Met2022Thr (NM_001135.4, NM_001411096.1, NM_001411097.1 and 1 more transcripts); short protein forms M2022T.
Identifiers: ClinVar variation 4853468 (VCV004853468.1).
Genomic context (GRCh38, chr15:88,858,650, plus strand): 5'-CATATTTTAGTGGGGATTTTGCCAGCACCACCAATGTAAGTGGAGAATCCTCTGTAGCCA[T>C]GGGCACCAGTGGAGAGGCCTCAGGACTTCCAGAAGTTACTTTAATCACTTCTGAGTTCGT-3'
Protein context (NP_001356197.1, residues 2012-2032): TNVSGESSVA[Met2022Thr]GTSGEASGLP